The following is an entry in ClinVar:

ClinVar aggregate classification (germline): Uncertain significance. Review status: criteria provided, multiple submitters, no conflicts (2 of 4 stars). 4 submissions from 4 submitters: Uncertain significance (4). Last evaluated 2025-06-30.

Conditions:
Hermansky-Pudlak syndrome 1 (HPS1). Also called: DELTA STORAGE POOL DISEASE. Identifiers: Orphanet 231500, Orphanet 79430, MedGen C2931875, MONDO:0008748, OMIM 203300.
Inborn genetic diseases. Identifiers: MedGen C0950123, MeSH D030342.

Allele frequency attached by ClinVar (database versions not stated): 1000 Genomes Project 30x 0.00016; 1000 Genomes Project 0.00020.
gnomAD v4.1: 23 of 1,610,648 alleles (0.0014%); highest among the groups gnomAD compares: Admixed American, 0.022%; no homozygotes.

Submissions (4):

Ambry Genetics
Classification: Uncertain significance for Inborn genetic diseases. Last evaluated: 2025-06-30. Review status: criteria provided, single submitter. Criteria: Ambry Variant Classification Scheme 2023. Collection method: clinical testing. Allele origin: germline.

Mayo Clinic Laboratories, Mayo Clinic
Classification: Uncertain significance. Last evaluated: 2024-06-27. Review status: criteria provided, single submitter. Criteria: ACMG Guidelines, 2015. Collection method: clinical testing. Allele origin: germline. Observed: 1 variant allele.
Comment: BP4, PM2_supporting

Fulgent Genetics
Classification: Uncertain significance for Hermansky-Pudlak syndrome 1. Last evaluated: 2024-01-04. Review status: criteria provided, single submitter. Criteria: ACMG Guidelines, 2015. Collection method: clinical testing. Allele origin: germline.

Labcorp Genetics (formerly Invitae), Labcorp
Classification: Uncertain significance. Last evaluated: 2022-10-13. Review status: criteria provided, single submitter. Criteria: Invitae Variant Classification Sherloc (09022015). Collection method: clinical testing. Allele origin: germline.
Comment: This sequence change replaces proline, which is neutral and non-polar, with leucine, which is neutral and non-polar, at codon 573 of the HPS1 protein (p.Pro573Leu). This variant is present in population databases (rs372351461, gnomAD 0.01%). This variant has not been reported in the literature in individuals affected with HPS1-related conditions. ClinVar contains an entry for this variant (Variation ID: 1410206). Advanced modeling of protein sequence and biophysical properties (such as structural, functional, and spatial information, amino acid conservation, physicochemical variation, residue mobility, and thermodynamic stability) performed at Invitae indicates that this missense variant is not expected to disrupt HPS1 protein function. In summary, the available evidence is currently insufficient to determine the role of this variant in disease. Therefore, it has been classified as a Variant of Uncertain Significance.

NM_000195.5(HPS1):c.1718C>T (p.Pro573Leu)

Gene: HPS1 (HPS1 biogenesis of lysosomal organelles complex 3 subunit 1; minus strand). Cytogenetic location: 10q24.2.
Variant type: single nucleotide variant.
Coding change: c.1718C>T on transcript NM_000195.5 (MANE Select); coding-DNA position 1718, C replaced by T.
Protein change: p.Pro573Leu; replaces proline 573 with leucine.
Molecular consequence: missense variant.
Genome position (GRCh38, 1-based): chr10:98,422,394, G>A on the plus strand (C>T on the coding strand, the complement: HPS1 is on the minus strand). VCF-style: chr10-98422394-G-A. GRCh37 (hg19) VCF-style: chr10-100182151-G-A.
Other names: p.Pro573Leu; c.746C>T, p.Pro249Leu (NM_001322489.2, NM_001311345.2, NM_001322487.2); c.1718C>T, p.Pro573Leu (NM_001322476.2, NM_001322477.2); c.1718C>T (NM_000195.3); c.1619C>T, p.Pro540Leu (NM_001322478.2, NM_001322479.2); c.1457C>T, p.Pro486Leu (NM_001322480.2, NM_001322481.2); c.1358C>T, p.Pro453Leu (NM_001322482.2); c.1349C>T, p.Pro450Leu (NM_001322483.2, NM_001322484.2); and 1 more; short protein forms P540L, P573L, P249L, P450L, P486L, P417L, P453L.
Identifiers: ClinVar variation 1410206 (VCV001410206.8), dbSNP rs372351461, ClinGen allele CA5638913.